The following is an entry in ClinVar:

ClinVar aggregate classification (germline): Uncertain significance (1 of 4 stars; one submission).

Conditions:
Cutis laxa, autosomal dominant 3 (ADCL3). Identifiers: Orphanet 90348, MedGen C4225268, MONDO:0014706, OMIM 616603.
Autosomal dominant spastic paraplegia type 9. Identifiers: MedGen C1832669, MONDO:0015091.
de Barsy syndrome. Also called: Cutis laxa-corneal clouding-oligophrenia syndrome. Identifiers: Orphanet 2962, MedGen C0268354, MONDO:0017569.

Submission:

Labcorp Genetics (formerly Invitae), Labcorp
Classification: Uncertain significance for Autosomal dominant spastic paraplegia type 9; de Barsy syndrome; Cutis laxa, autosomal dominant 3. Last evaluated: 2025-04-22. Review status: criteria provided, single submitter. Criteria: Invitae Variant Classification Sherloc (09022015). Collection method: clinical testing. Allele origin: germline.
Comment: This sequence change replaces leucine, which is neutral and non-polar, with arginine, which is basic and polar, at codon 654 of the ALDH18A1 protein (p.Leu654Arg). This variant is not present in population databases (gnomAD no frequency). This missense change has been observed in individual(s) with autosomal dominant ALDH18A1-related conditions (internal data). Invitae Evidence Modeling of protein sequence and biophysical properties (such as structural, functional, and spatial information, amino acid conservation, physicochemical variation, residue mobility, and thermodynamic stability) has been performed for this missense variant. However, the output from this modeling did not meet the statistical confidence thresholds required to predict the impact of this variant on ALDH18A1 protein function. In summary, the available evidence is currently insufficient to determine the role of this variant in disease. Therefore, it has been classified as a Variant of Uncertain Significance.

NM_002860.4(ALDH18A1):c.1961T>G (p.Leu654Arg)

Gene: ALDH18A1 (aldehyde dehydrogenase 18 family member A1; minus strand). Cytogenetic location: 10q24.1.
Variant type: single nucleotide variant.
Coding change: c.1961T>G on transcript NM_002860.4 (MANE Select); coding-DNA position 1961, T replaced by G.
Protein change: p.Leu654Arg; replaces leucine 654 with arginine.
Molecular consequence: missense variant.
Genome position (GRCh38, 1-based): chr10:95,611,405, A>C on the plus strand (T>G on the coding strand, the complement: ALDH18A1 is on the minus strand). VCF-style: chr10-95611405-A-C. GRCh37 (hg19) VCF-style: chr10-97371162-A-C.
Other names: c.1955T>G, p.Leu652Arg (NM_001017423.2, NM_001323415.2); c.1628T>G, p.Leu543Arg (NM_001323412.2, NM_001323416.2); c.1961T>G, p.Leu654Arg (NM_001323413.2, NM_001323414.2); c.1856T>G, p.Leu619Arg (NM_001323417.2); c.1622T>G, p.Leu541Arg (NM_001323418.2); c.1325T>G, p.Leu442Arg (NM_001323419.2); short protein forms L541R, L543R, L619R, L652R, L654R, L442R.
Identifiers: ClinVar variation 4790089 (VCV004790089.1).